The following is an entry in ClinVar:

ClinVar aggregate classification (germline): Likely pathogenic (1 of 4 stars; one submission).

Conditions:
Retinitis pigmentosa 93. Identifiers: MedGen C5676970, MONDO:0030797, OMIM 619845.
COACH syndrome 2. Identifiers: MedGen C5436837, MONDO:0030859, OMIM 619111.
Joubert syndrome 9 (JBTS9). Identifiers: Orphanet 2318, MedGen C2676788, MONDO:0012849, OMIM 612285.
Meckel syndrome, type 6. Identifiers: Orphanet 564, MedGen C2676790, MONDO:0012848, OMIM 612284.

gnomAD v4.1: 4 of 1,549,566 alleles (0.00026%); highest among the groups gnomAD compares: South Asian, 0.0024%; no homozygotes.

Submission:

Juno Genomics, Hangzhou Juno Genomics, Inc
Classification: Likely pathogenic for COACH syndrome 2; Joubert syndrome 9; Meckel syndrome, type 6; Retinitis pigmentosa 93. Review status: criteria provided, single submitter. Criteria: ACMG Guidelines, 2015. Collection method: clinical testing. Allele origin: germline.
Comment: Absent from controls (or at extremely low frequency if recessive) in Genome Aggregation Database.;Multiple lines of computational evidence support a deleterious effect on the gene or gene product.;For recessive disorders, detected in trans with a pathogenic variant.;Patient's phenotype or family history is highly specific for a disease with a single genetic etiology.

NM_001378615.1(CC2D2A):c.2161C>A (p.Pro721Thr)

Genes: CC2D2A (coiled-coil and C2 domain containing 2A; plus strand), FBXL5 (F-box and leucine rich repeat protein 5; minus strand). Cytogenetic location: 4p15.32.
Variant type: single nucleotide variant.
Coding change: c.2161C>A on transcript NM_001378615.1 (MANE Select); coding-DNA position 2161, C replaced by A.
Protein change: p.Pro721Thr; replaces proline 721 with threonine.
Molecular consequence: missense variant.
Genome position (GRCh38, 1-based): chr4:15,540,994, C>A. VCF-style: chr4-15540994-C-A. GRCh37 (hg19) VCF-style: chr4-15542617-C-A.
Other names: c.2161C>A, p.Pro721Thr (NM_001080522.2); c.2014C>A, p.Pro672Thr (NM_001378617.1); short protein forms P672T, P721T.
Identifiers: ClinVar variation 5006739 (VCV005006739.2).